The following is an entry in ClinVar:

ClinVar aggregate classification (germline): Uncertain significance (1 of 4 stars; one submission).

Conditions:
Tuberous sclerosis 2 (TSC2). Identifiers: Orphanet 805, MedGen C1860707, MONDO:0013199, OMIM 613254.

Submission:

Labcorp Genetics (formerly Invitae), Labcorp
Classification: Uncertain significance for Tuberous sclerosis 2. Last evaluated: 2024-03-16. Review status: criteria provided, single submitter. Criteria: Invitae Variant Classification Sherloc (09022015). Collection method: clinical testing. Allele origin: germline.
Comment: This sequence change replaces isoleucine, which is neutral and non-polar, with leucine, which is neutral and non-polar, at codon 949 of the TSC2 protein (p.Ile949Leu). This variant is not present in population databases (gnomAD no frequency). This variant has not been reported in the literature in individuals affected with TSC2-related conditions. Advanced modeling of protein sequence and biophysical properties (such as structural, functional, and spatial information, amino acid conservation, physicochemical variation, residue mobility, and thermodynamic stability) performed at Invitae indicates that this missense variant is not expected to disrupt TSC2 protein function with a negative predictive value of 95%. In summary, the available evidence is currently insufficient to determine the role of this variant in disease. Therefore, it has been classified as a Variant of Uncertain Significance.

NM_000548.5(TSC2):c.2845A>C (p.Ile949Leu)

Gene: TSC2 (TSC complex subunit 2; plus strand). Cytogenetic location: 16p13.3.
Variant type: single nucleotide variant.
Coding change: c.2845A>C on transcript NM_000548.5 (MANE Select); coding-DNA position 2845, A replaced by C.
Protein change: p.Ile949Leu; replaces isoleucine 949 with leucine.
Molecular consequence: missense variant. On other transcripts: intron variant (31).
Genome position (GRCh38, 1-based): chr16:2,077,605, A>C. VCF-style: chr16-2077605-A-C. GRCh37 (hg19) VCF-style: chr16-2127606-A-C.
Other names: c.2845A>C, p.Ile949Leu (NM_001114382.3, NM_001406663.1, NM_001406664.1); c.2734A>C, p.Ile912Leu (NM_001406670.1); c.2698A>C, p.Ile900Leu (NM_001406675.1, NM_001406676.1); c.2245A>C, p.Ile749Leu (NM_001406680.1, NM_001406682.1, NM_001406683.1 and 1 more transcripts); c.1501A>C, p.Ile501Leu (NM_001406689.1); c.1493+1020A>C (NM_001406693.1, NM_001406690.1, NM_001406692.1 and 5 more transcripts); c.2927+1020A>C (NM_001406667.1, NM_001406668.1); c.2237+1020A>C (NM_001406687.1, NM_001406685.1, NM_001318831.2 and 2 more transcripts); and 8 more; short protein forms I501L, I749L, I900L, I912L, I949L.
Identifiers: ClinVar variation 3609043 (VCV003609043.2).